The following is an entry in ClinVar:

NM_001048174.2(MUTYH):c.590C>G (p.Ser197Cys)

Gene: MUTYH (mutY DNA glycosylase; minus strand). Cytogenetic location: 1p34.1.
Variant type: single nucleotide variant.
Coding change: c.590C>G on transcript NM_001048174.2 (MANE Select); coding-DNA position 590, C replaced by G.
Protein change: p.Ser197Cys; replaces serine 197 with cysteine.
Molecular consequence: missense variant. On other transcripts: non-coding transcript variant (2).
Genome position (GRCh38, 1-based): chr1:45,332,590, G>C on the plus strand (C>G on the coding strand, the complement: MUTYH is on the minus strand). VCF-style: chr1-45332590-G-C. GRCh37 (hg19) VCF-style: chr1-45798262-G-C.
Other names: c.590C>G, p.Ser197Cys (NM_001048171.2, NM_001048173.2, NM_001293195.2); c.593C>G, p.Ser198Cys (NM_001048172.2); c.674C>G, p.Ser225Cys (NM_001128425.2); c.635C>G, p.Ser212Cys (NM_001293190.2); c.623C>G, p.Ser208Cys (NM_001293191.2); c.314C>G, p.Ser105Cys (NM_001293192.2, NM_001293196.2); c.245C>G, p.Ser82Cys (NM_001350650.2, NM_001350651.2); c.665C>G, p.Ser222Cys (NM_012222.3); short protein forms S105C, S197C, S198C, S208C, S212C, S222C, S225C, S82C.
Identifiers: ClinVar variation 1005897 (VCV001005897.9), dbSNP rs1645132762, ClinGen allele CA340135286.

ClinVar aggregate classification (germline): Uncertain significance (1 of 4 stars; one submission).

Conditions:
Familial adenomatous polyposis 2. Also called: COLORECTAL ADENOMATOUS POLYPOSIS, AUTOSOMAL RECESSIVE; ADENOMAS, MULTIPLE COLORECTAL, AUTOSOMAL RECESSIVE; Adenomas, multiple colorectal; FAP type 2; MUTYH Polyposis; MUTYH-associated polyposis. Identifiers: Orphanet 220460, Orphanet 247798, MedGen C3272841, MONDO:0012041, OMIM 608456.

Submission:

Labcorp Genetics (formerly Invitae), Labcorp
Classification: Uncertain significance for Familial adenomatous polyposis 2. Last evaluated: 2020-02-06. Review status: criteria provided, single submitter. Criteria: Invitae Variant Classification Sherloc (09022015). Collection method: clinical testing. Allele origin: germline.
Comment: This variant has not been reported in the literature in individuals with MUTYH-related conditions. This variant is not present in population databases (ExAC no frequency). Algorithms developed to predict the effect of missense changes on protein structure and function (SIFT, PolyPhen-2, Align-GVGD) all suggest that this variant is likely to be disruptive, but these predictions have not been confirmed by published functional studies and their clinical significance is uncertain. This sequence change replaces serine with cysteine at codon 225 of the MUTYH protein (p.Ser225Cys). The serine residue is highly conserved and there is a moderate physicochemical difference between serine and cysteine. In summary, the available evidence is currently insufficient to determine the role of this variant in disease. Therefore, it has been classified as a Variant of Uncertain Significance.